The following is an entry in ClinVar:

ClinVar aggregate classification (germline): Likely benign (1 of 4 stars; one submission).

gnomAD v4.1: 3 of 1,605,246 alleles (0.00019%); highest among the groups gnomAD compares: Non-Finnish European, 0.00026%; no homozygotes.

Submission:

Mayo Clinic Laboratories, Mayo Clinic
Classification: Likely benign. Last evaluated: 2024-12-03. Review status: criteria provided, single submitter. Criteria: ACMG Guidelines, 2015. Collection method: clinical testing. Allele origin: germline. Observed: 1 variant allele.
Comment: BP4, BP7

NM_013382.7(POMT2):c.1184-25A>G

Gene: POMT2 (protein O-mannosyltransferase 2; minus strand). Cytogenetic location: 14q24.3.
Variant type: single nucleotide variant.
Coding change: c.1184-25A>G on transcript NM_013382.7 (MANE Select); 25 bases into the intron before coding-DNA position 1184, A replaced by G.
Molecular consequence: intron variant.
Genome position (GRCh38, 1-based): chr14:77,288,856, T>C on the plus strand (A>G on the coding strand, the complement: POMT2 is on the minus strand). VCF-style: chr14-77288856-T-C. GRCh37 (hg19) VCF-style: chr14-77755199-T-C.
Other names: p.?.
Identifiers: ClinVar variation 4683909 (VCV004683909.1).